The following is an entry in ClinVar:

NM_001040108.2(MLH3):c.1802T>A (p.Val601Asp)

Gene: MLH3 (mutL homolog 3; minus strand). Cytogenetic location: 14q24.3.
Variant type: single nucleotide variant.
Coding change: c.1802T>A on transcript NM_001040108.2 (MANE Select); coding-DNA position 1802, T replaced by A.
Protein change: p.Val601Asp; replaces valine 601 with aspartic acid.
Molecular consequence: missense variant.
Genome position (GRCh38, 1-based): chr14:75,047,854, A>T on the plus strand (T>A on the coding strand, the complement: MLH3 is on the minus strand). VCF-style: chr14-75047854-A-T. GRCh37 (hg19) VCF-style: chr14-75514557-A-T.
Other names: c.1802T>A, p.Val601Asp (NM_014381.3); short protein forms V601D.
Identifiers: ClinVar variation 3232458 (VCV003232458.1), dbSNP rs2503286382, ClinGen allele CA390444227.

ClinVar aggregate classification (germline): Uncertain significance (1 of 4 stars; one submission).

Submission:

Ambry Genetics
Classification: Uncertain significance. Last evaluated: 2024-01-13. Review status: criteria provided, single submitter. Criteria: Ambry Variant Classification Scheme 2023. Collection method: clinical testing. Allele origin: germline.
Comment: The p.V601D variant (also known as c.1802T>A), located in coding exon 1 of the MLH3 gene, results from a T to A substitution at nucleotide position 1802. The valine at codon 601 is replaced by aspartic acid, an amino acid with highly dissimilar properties. This amino acid position is conserved. In addition, this alteration is predicted to be tolerated by in silico analysis. Since supporting evidence is limited at this time, the clinical significance of this alteration remains unclear.